The following is an entry in ClinVar:

NM_000053.4(ATP7B):c.3693delinsTCTGGTACATTAACATTA (p.Ala1231_Thr1232insLeuValHisTer)

Gene: ATP7B (ATPase copper transporting beta; minus strand). Cytogenetic location: 13q14.3.
Variant type: Indel.
Coding change: c.3693delinsTCTGGTACATTAACATTA on transcript NM_000053.4 (MANE Select); coding-DNA position 3693, C replaced by TCTGGTACATTAACATTA.
Protein change: p.Ala1231_Thr1232insLeuValHisTer.
Molecular consequence: nonsense, inframe insertion.
Genome position (GRCh38, 1-based): chr13:51,939,057, G replaced by TAATGTTAATGTACCAGA on the plus strand (C replaced by TCTGGTACATTAACATTA on the coding strand, the reverse complement: ATP7B is on the minus strand). VCF-style: chr13-51939057-G-TAATGTTAATGTACCAGA. GRCh37 (hg19) VCF-style: chr13-52513193-G-TAATGTTAATGTACCAGA.
Other names: c.3072delinsTCTGGTACATTAACATTA, p.Ala1024_Thr1025insLeuValHisTer (NM_001005918.3); c.3360delinsTCTGGTACATTAACATTA, p.Ala1120_Thr1121insLeuValHisTer (NM_001243182.2); c.3459delinsTCTGGTACATTAACATTA, p.Ala1153_Thr1154insLeuValHisTer (NM_001330578.2); c.3441delinsTCTGGTACATTAACATTA, p.Ala1147_Thr1148insLeuValHisTer (NM_001330579.2).
Identifiers: ClinVar variation 917728 (VCV000917728.1), dbSNP rs1957151787, ClinGen allele CA1139663302.

ClinVar aggregate classification (germline): Likely pathogenic (1 of 4 stars; one submission).

Conditions:
Wilson disease (WND). Also called: Wilson's disease. Identifiers: Orphanet 905, MedGen C0019202, MONDO:0010200, OMIM 277900. Disease mechanism: loss of function.

Submission:

Women's Health and Genetics/Laboratory Corporation of America, LabCorp
Classification: Likely pathogenic for Wilson disease. Last evaluated: 2020-02-27. Review status: criteria provided, single submitter. Criteria: LabCorp Variant Classification Summary - May 2015. Collection method: clinical testing. Allele origin: germline.
Comment: Variant summary: ATP7B c.3693delCinsTCTGGTACATTAACATTA (also known as c.3693delins18, p.Thr1232LeufsX4) results in a premature termination codon, predicted to cause a truncation of the encoded protein or absence of the protein due to nonsense mediated decay, which are commonly known mechanisms for disease. Truncations downstream of this position have been classified as pathogenic by our laboratory. The variant was absent in 249572 control chromosomes (gnomAD). To our knowledge, no occurrence of c.3693delCinsTCTGGTACATTAACATTA in individuals affected with Wilson Disease and no experimental evidence demonstrating its impact on protein function have been reported. No clinical diagnostic laboratories have submitted clinical-significance assessments for this variant to ClinVar after 2014. Based on the evidence outlined above, the variant was classified as likely pathogenic.